The following is an entry in ClinVar:

NM_002101.5(GYPC):c.148G>A (p.Glu50Lys)

Gene: GYPC (glycophorin C (Gerbich blood group); plus strand). Cytogenetic location: 2q14.3.
Variant type: single nucleotide variant.
Coding change: c.148G>A on transcript NM_002101.5 (MANE Select); coding-DNA position 148, G replaced by A.
Protein change: p.Glu50Lys; replaces glutamic acid 50 with lysine.
Molecular consequence: missense variant.
Genome position (GRCh38, 1-based): chr2:126,693,905, G>A. VCF-style: chr2-126693905-G-A. GRCh37 (hg19) VCF-style: chr2-127451481-G-A.
Other names: p.Glu50Lys; c.85G>A, p.Glu29Lys (NM_001256584.2); c.91G>A, p.Glu31Lys (NM_016815.4); short protein forms E29K, E31K, E50K.
Identifiers: ClinVar variation 2682744 (VCV002682744.1), dbSNP rs114199197, ClinGen allele CA1856705.

ClinVar aggregate classification (germline): Uncertain significance (1 of 4 stars; one submission).

Allele frequency attached by ClinVar (database versions not stated): ExAC 0.00003; gnomAD 0.00005; 1000 Genomes Project 30x 0.00016; 1000 Genomes Project 0.00020.
gnomAD v4.1: 108 of 1,612,898 alleles (0.0067%); highest among the groups gnomAD compares: Non-Finnish European, 0.009%; no homozygotes.

Submission:

Mayo Clinic Laboratories, Mayo Clinic
Classification: Uncertain significance. Last evaluated: 2023-01-24. Review status: criteria provided, single submitter. Criteria: ACMG Guidelines, 2015. Collection method: clinical testing. Allele origin: germline. Observed: 1 variant allele.
Comment: BP4